The following is an entry in ClinVar:

ClinVar aggregate classification (germline): Conflicting classifications of pathogenicity. Review status: criteria provided, conflicting classifications (1 of 4 stars). 2 submissions from 2 submitters: Uncertain significance (1); Likely benign (1). Last evaluated 2025-09-10.

Conditions:
Cardiovascular phenotype. Identifiers: MedGen CN230736.
Dilated cardiomyopathy 1JJ (CMD1JJ). Identifiers: Orphanet 154, MedGen C3808935, MONDO:0014095, OMIM 615235.

Allele frequency attached by ClinVar (database versions not stated): gnomAD exomes 0.00002; ExAC 0.00003; TOPMed 0.00003; ESP Exome Variant Server 0.00008; 1000 Genomes Project 30x 0.00016; 1000 Genomes Project 0.00020.
gnomAD v4.1: 51 of 1,614,100 alleles (0.0032%); highest among the groups gnomAD compares: Admixed American, 0.005%; no homozygotes.

Submissions (2):

Labcorp Genetics (formerly Invitae), Labcorp
Classification: Uncertain significance for Dilated cardiomyopathy 1JJ. Last evaluated: 2025-09-10. Review status: criteria provided, single submitter. Criteria: Invitae Variant Classification Sherloc (09022015). Collection method: clinical testing. Allele origin: germline.
Comment: This sequence change replaces proline, which is neutral and non-polar, with arginine, which is basic and polar, at codon 861 of the LAMA4 protein (p.Pro861Arg). This variant is present in population databases (rs368543835, gnomAD 0.003%). This missense change has been observed in individual(s) with dilated cardiomyopathy (internal data). ClinVar contains an entry for this variant (Variation ID: 936225). Invitae Evidence Modeling of protein sequence and biophysical properties (such as structural, functional, and spatial information, amino acid conservation, physicochemical variation, residue mobility, and thermodynamic stability) indicates that this missense variant is not expected to disrupt LAMA4 protein function with a negative predictive value of 80%. In summary, the available evidence is currently insufficient to determine the role of this variant in disease. Therefore, it has been classified as a Variant of Uncertain Significance.

Ambry Genetics
Classification: Likely benign for Cardiovascular phenotype. Last evaluated: 2025-02-01. Review status: criteria provided, single submitter. Criteria: Ambry Variant Classification Scheme 2023. Collection method: clinical testing. Allele origin: germline.

NM_001105206.3(LAMA4):c.2603C>G (p.Pro868Arg)

Gene: LAMA4 (laminin subunit alpha 4; minus strand). Cytogenetic location: 6q21.
Variant type: single nucleotide variant.
Coding change: c.2603C>G on transcript NM_001105206.3 (MANE Select); coding-DNA position 2603, C replaced by G.
Protein change: p.Pro868Arg; replaces proline 868 with arginine.
Molecular consequence: missense variant.
Genome position (GRCh38, 1-based): chr6:112,142,183, G>C on the plus strand (C>G on the coding strand, the complement: LAMA4 is on the minus strand). VCF-style: chr6-112142183-G-C. GRCh37 (hg19) VCF-style: chr6-112463385-G-C.
Other names: c.2582C>G, p.Pro861Arg (NM_001105207.3, NM_002290.5); short protein forms P861R, P868R.
Identifiers: ClinVar variation 936225 (VCV000936225.12), dbSNP rs368543835, ClinGen allele CA3965436.